The following is an entry in ClinVar:

NM_020937.4(FANCM):c.5516C>T (p.Ala1839Val)

Gene: FANCM (FA complementation group M; plus strand). Cytogenetic location: 14q21.2.
Variant type: single nucleotide variant.
Coding change: c.5516C>T on transcript NM_020937.4 (MANE Select); coding-DNA position 5516, C replaced by T.
Protein change: p.Ala1839Val; replaces alanine 1839 with valine.
Molecular consequence: missense variant.
Genome position (GRCh38, 1-based): chr14:45,196,347, C>T. VCF-style: chr14-45196347-C-T. GRCh37 (hg19) VCF-style: chr14-45665550-C-T.
Other names: c.5438C>T, p.Ala1813Val (NM_001308133.2); short protein forms A1813V, A1839V.
Identifiers: ClinVar variation 5021523 (VCV005021523.1).

ClinVar aggregate classification (germline): Uncertain significance (1 of 4 stars; one submission).

Conditions:
Inborn genetic diseases. Identifiers: MedGen C0950123, MeSH D030342.

Submission:

Ambry Genetics
Classification: Uncertain significance for Inborn genetic diseases. Last evaluated: 2026-08-28. Review status: criteria provided, single submitter. Criteria: Ambry Variant Classification Scheme 2023. Collection method: clinical testing. Allele origin: germline.
Comment: The p.A1839V variant (also known as c.5516C>T), located in coding exon 21 of the FANCM gene, results from a C to T substitution at nucleotide position 5516. The alanine at codon 1839 is replaced by valine, an amino acid with similar properties. This amino acid position is conserved. In addition, this alteration is predicted to be tolerated by in silico analysis. Based on the available evidence, the clinical significance of this variant remains unclear.